The following is an entry in ClinVar:

NM_024642.5(GALNT12):c.356A>T (p.Glu119Val)

Gene: GALNT12 (polypeptide N-acetylgalactosaminyltransferase 12; plus strand). Cytogenetic location: 9q22.33.
Variant type: single nucleotide variant.
Coding change: c.356A>T on transcript NM_024642.5 (MANE Select); coding-DNA position 356, A replaced by T.
Protein change: p.Glu119Val; replaces glutamic acid 119 with valine.
Molecular consequence: missense variant.
Genome position (GRCh38, 1-based): chr9:98,808,054, A>T. VCF-style: chr9-98808054-A-T. GRCh37 (hg19) VCF-style: chr9-101570336-A-T.
Other names: short protein forms E119V.
Identifiers: ClinVar variation 485633 (VCV000485633.24), dbSNP rs1137654, ClinGen allele CA5153914.

ClinVar aggregate classification (germline): Benign/Likely benign. Review status: criteria provided, multiple submitters, no conflicts (2 of 4 stars). 10 submissions from 10 submitters: Benign (8); Likely benign (1). 1 of the submissions does not count toward it. Last evaluated 2026-04-23.

Conditions:
GALNT12-related disorder. Also called: GALNT12-related condition.
Hereditary cancer-predisposing syndrome. Also called: Tumor predisposition; Hereditary Cancer Syndrome; Neoplastic Syndromes, Hereditary; Hereditary neoplastic syndrome. Identifiers: Orphanet 140162, MedGen C0027672, MeSH D009386, MONDO:0015356.
Colorectal cancer, susceptibility to, 1. Also called: COLORECTAL ADENOMA AND CANCER, SUSCEPTIBILITY TO; COLORECTAL CANCER, SUSCEPTIBILITY TO, ON CHROMOSOME 9. Identifiers: MedGen C1837315, MONDO:0012132, OMIM 608812.

Allele frequency attached by ClinVar (database versions not stated): 1000 Genomes Project 30x 0.02795; 1000 Genomes Project 0.02855; TOPMed 0.05458; ESP Exome Variant Server 0.05786; gnomAD 0.06361 and 0.06543.
gnomAD v4.1: 131,672 of 1,579,888 alleles (8.3%); highest among the groups gnomAD compares: Non-Finnish European, 9.8%; 6,327 homozygotes.

Submissions (10):

Myriad Genetics, Inc.
Classification: Benign for Colorectal cancer, susceptibility to, 1. Last evaluated: 2026-04-23. Review status: criteria provided, single submitter. Criteria: Myriad Autosomal Dominant, Autosomal Recessive and X-Linked Classification Criteria (2023). Collection method: clinical testing. Allele origin: unknown.
Comment: This variant is considered benign. This variant has been observed at a population frequency that is significantly greater than expected given the associated disease prevalence and penetrance.

Labcorp Genetics (formerly Invitae), Labcorp
Classification: Benign. Last evaluated: 2026-02-02. Review status: criteria provided, single submitter. Criteria: Invitae Variant Classification Sherloc (09022015). Collection method: clinical testing. Allele origin: germline.

GeneKor MSA
Classification: Benign for Hereditary cancer-predisposing syndrome. Last evaluated: 2025-07-10. Review status: criteria provided, single submitter. Criteria: ACMG Guidelines, 2015. Collection method: clinical testing. Allele origin: germline.

Institute for Biomarker Research, Medical Diagnostic Laboratories, L.L.C.
Classification: Benign for Hereditary cancer-predisposing syndrome. Last evaluated: 2025-01-10. Review status: criteria provided, single submitter. Criteria: ACMG Guidelines, 2015. Collection method: clinical testing. Allele origin: germline.
Comment: The missense variant NM_024642.5(GALNT12):c.356A>T (p.Glu119Val) has been reported to ClinVar as Benign with a status of (2 stars) criteria provided, multiple submitters, no conflicts (Variation ID 485633 as of 2025-01-02). The p.Glu119Val variant is observed in 143/5,008 (2.8554%) alleles from individuals of 1kG All background in 1kG, indicating it is a common benign variant. There is a moderate physicochemical difference between glutamic acid and valine. The glutamic acid residue at codon 119 of GALNT12 is conserved in all mammalian species. For these reasons, this variant has been classified as Benign

Blueprint Genetics
Classification: Likely benign. Last evaluated: 2024-11-27. Review status: criteria provided, single submitter. Criteria: ACMG Guidelines, 2015. Collection method: clinical testing. Allele origin: germline.

Department of Pathology and Laboratory Medicine, Sinai Health System
Classification: Benign for Colorectal cancer, susceptibility to, 1. Last evaluated: 2021-09-15. Review status: criteria provided, single submitter. Criteria: ACMG Guidelines, 2015. Collection method: clinical testing. Allele origin: germline.

GeneDx
Classification: Benign. Last evaluated: 2018-06-22. Review status: criteria provided, single submitter. Criteria: GeneDx Variant Classification Process June 2021. Collection method: clinical testing. Allele origin: germline. Affected: yes.

Ambry Genetics
Classification: Benign. Last evaluated: 2016-08-12. Review status: criteria provided, single submitter. Criteria: Ambry Variant Classification Scheme 2023. Collection method: clinical testing. Allele origin: germline.

Breakthrough Genomics
Classification: Benign. Review status: criteria provided, single submitter. Criteria: ACMG Guidelines, 2015. Collection method: not provided. Allele origin: germline. Inheritance: Unknown mechanism. Affected: yes.

PreventionGenetics, part of Exact Sciences
Classification: Benign for GALNT12-related condition. Last evaluated: 2021-04-28. Review status: no assertion criteria provided. Collection method: clinical testing. Allele origin: germline. Not counted in ClinVar's aggregate classification.
Comment: This variant is classified as benign based on ACMG/AMP sequence variant interpretation guidelines (Richards et al. 2015 PMID: 25741868, with internal and published modifications).